The following is an entry in ClinVar:

NM_004380.3(CREBBP):c.2800G>T (p.Val934Phe)

Gene: CREBBP (CREB binding lysine acetyltransferase; minus strand). Cytogenetic location: 16p13.3.
Variant type: single nucleotide variant.
Coding change: c.2800G>T on transcript NM_004380.3 (MANE Select); coding-DNA position 2800, G replaced by T.
Protein change: p.Val934Phe; replaces valine 934 with phenylalanine.
Molecular consequence: missense variant.
Genome position (GRCh38, 1-based): chr16:3,770,650, C>A on the plus strand (G>T on the coding strand, the complement: CREBBP is on the minus strand). VCF-style: chr16-3770650-C-A. GRCh37 (hg19) VCF-style: chr16-3820651-C-A.
Other names: c.2686G>T, p.Val896Phe (NM_001079846.1); short protein forms V896F, V934F.
Identifiers: ClinVar variation 4999505 (VCV004999505.1).

ClinVar aggregate classification (germline): Uncertain significance (1 of 4 stars; one submission).

Conditions:
CREBBP-related disorder. Also called: CREBBP-related condition; CREBBP-related disorders.

gnomAD v4.1: 1 of 1,613,956 alleles (0.000062%); no homozygotes.

Submission:

PreventionGenetics, part of Exact Sciences
Classification: Uncertain significance for CREBBP-related condition. Last evaluated: 2025-07-16. Review status: criteria provided, single submitter. Criteria: ACMG Guidelines, 2015. Collection method: clinical testing. Allele origin: germline.
Comment: The CREBBP c.2800G>T variant is predicted to result in the amino acid substitution p.Val934Phe. To our knowledge, this variant has not been reported in the literature. This variant is reported in 0.0046% of alleles in individuals of European (Finnish) descent in gnomAD. At this time, the clinical significance of this variant is uncertain due to the absence of conclusive functional and genetic evidence.